The following is an entry in ClinVar:

ClinVar aggregate classification (germline): Pathogenic (1 of 4 stars; one submission).

Conditions:
Marfan syndrome (MFS). Also called: Marfan syndrome type 1; Marfan's syndrome; FBN1-Related Marfan Syndrome; MARFAN SYNDROME, TYPE I; Marfan syndrome, classic. Identifiers: Orphanet 284963, Orphanet 558, MedGen C0024796, MONDO:0007947, OMIM 154700.

Submission:

Centre of Medical Genetics, University of Antwerp
Classification: Pathogenic for Marfan syndrome. Last evaluated: 2021-03-01. Review status: criteria provided, single submitter. Criteria: Submitter's publication. Collection method: research. Allele origin: unknown. Affected: yes.
Comment: PM2, PVS2, PP4

NM_000138.5(FBN1):c.7525T>A (p.Cys2509Ser)

Gene: FBN1 (fibrillin 1; minus strand). Cytogenetic location: 15q21.1.
Variant type: single nucleotide variant.
Coding change: c.7525T>A on transcript NM_000138.5 (MANE Select); coding-DNA position 7525, T replaced by A.
Protein change: p.Cys2509Ser; replaces cysteine 2509 with serine.
Molecular consequence: missense variant.
Genome position (GRCh38, 1-based): chr15:48,421,997, A>T on the plus strand (T>A on the coding strand, the complement: FBN1 is on the minus strand). VCF-style: chr15-48421997-A-T. GRCh37 (hg19) VCF-style: chr15-48714194-A-T.
Other names: c.7525T>A, p.Cys2509Ser (NM_001406716.1); short protein forms C2509S.
Identifiers: ClinVar variation 1325455 (VCV001325455.2), dbSNP rs1060501055, ClinGen allele CA392325925.